The following is an entry in ClinVar:

ClinVar aggregate classification (germline): Conflicting classifications of pathogenicity. Review status: criteria provided, conflicting classifications (1 of 4 stars). 2 submissions from 2 submitters: Uncertain significance (1); Likely benign (1). Last evaluated 2026-09-01.

Conditions:
PIDD1-associated neurodevelopmental disorder.

Allele frequency attached by ClinVar (database versions not stated): gnomAD exomes 0.00011; 1000 Genomes Project 0.00020; TOPMed 0.00027; gnomAD 0.00029 and 0.00030; 1000 Genomes Project 30x 0.00031; ESP Exome Variant Server 0.00031.
gnomAD v4.1: 491 of 1,603,074 alleles (0.031%); highest among the groups gnomAD compares: Non-Finnish European, 0.039%; 1 homozygote.

Submissions (2):

CeGaT Center for Human Genetics Tuebingen
Classification: Likely benign. Last evaluated: 2026-09-01. Review status: criteria provided, single submitter. Criteria: CeGaT Center For Human Genetics Tuebingen Variant Classification Criteria Version 2. Collection method: clinical testing. Allele origin: germline. Affected: yes. Observed: 2 variant alleles.
Comment: PIDD1: BP4, BP7

New York Genome Center
Classification: Uncertain significance for PIDD1-associated neurodevelopmental disorder. Last evaluated: 2021-08-06. Review status: criteria provided, single submitter. Criteria: NYGC Assertion Criteria 2020. Collection method: clinical testing. Allele origin: inherited. Observed: 1 compound heterozygote. Study: CSER-NYCKidSeq.

NM_145886.4(PIDD1):c.1173G>A (p.Gln391=)

Gene: PIDD1 (p53-induced death domain protein 1; minus strand). Cytogenetic location: 11p15.5.
Variant type: single nucleotide variant.
Coding change: c.1173G>A on transcript NM_145886.4 (MANE Select); coding-DNA position 1173, G replaced by A.
Protein change: p.Gln391=; no amino-acid change (glutamine 391 retained).
Molecular consequence: synonymous variant.
Genome position (GRCh38, 1-based): chr11:802,198, C>T on the plus strand (G>A on the coding strand, the complement: PIDD1 is on the minus strand). VCF-style: chr11-802198-C-T. GRCh37 (hg19) VCF-style: chr11-802198-C-T.
Other names: c.1173G>A, p.Gln391= (NM_145887.4).
Identifiers: ClinVar variation 1696648 (VCV001696648.3), dbSNP rs372742755, ClinGen allele CA5790180.
Genomic context (GRCh38, chr11:802,198, plus strand): 5'-ACACTGCCCCTGCCATGCCCTGGCCCACACACTGCCCCCGCCACGCCCTGTCCATGCCTG[C>T]TGGAAGGCCACCCCATGGGGCTGCAGCTCCAGCACATGGCTGAGCAGGGCGTCATGAGGA-3'
Protein context (NP_665893.2, residues 381-401): LELQPHGVAF[Gln391=]QDVGLWLLFT